The following is an entry in ClinVar:

ClinVar aggregate classification (germline): Uncertain significance (1 of 4 stars; one submission).

Conditions:
Inborn genetic diseases. Identifiers: MedGen C0950123, MeSH D030342.

Submission:

Ambry Genetics
Classification: Uncertain significance for Inborn genetic diseases. Last evaluated: 2024-08-10. Review status: criteria provided, single submitter. Criteria: Ambry Variant Classification Scheme 2023. Collection method: clinical testing. Allele origin: germline.
Comment: The p.A698T variant (also known as c.2092G>A), located in coding exon 13 of the EPAS1 gene, results from a G to A substitution at nucleotide position 2092. The alanine at codon 698 is replaced by threonine, an amino acid with similar properties. This amino acid position is conserved. In addition, the in silico prediction for this alteration is inconclusive. Based on the available evidence, the clinical significance of this variant remains unclear.

NM_001430.5(EPAS1):c.2092G>A (p.Ala698Thr)

Gene: EPAS1 (endothelial PAS domain protein 1; plus strand). Cytogenetic location: 2p21.
Variant type: single nucleotide variant.
Coding change: c.2092G>A on transcript NM_001430.5 (MANE Select); coding-DNA position 2092, G replaced by A.
Protein change: p.Ala698Thr; replaces alanine 698 with threonine.
Molecular consequence: missense variant.
Genome position (GRCh38, 1-based): chr2:46,381,642, G>A. VCF-style: chr2-46381642-G-A. GRCh37 (hg19) VCF-style: chr2-46608781-G-A.
Other names: short protein forms A698T.
Identifiers: ClinVar variation 3508915 (VCV003508915.1).